The following is an entry in ClinVar:

NM_001378454.1(ALMS1):c.4729C>T (p.Pro1577Ser)

Gene: ALMS1 (ALMS1 centrosome and basal body associated protein; plus strand). Cytogenetic location: 2p13.1.
Variant type: single nucleotide variant.
Coding change: c.4729C>T on transcript NM_001378454.1 (MANE Select); coding-DNA position 4729, C replaced by T.
Protein change: p.Pro1577Ser; replaces proline 1577 with serine.
Molecular consequence: missense variant.
Genome position (GRCh38, 1-based): chr2:73,451,256, C>T. VCF-style: chr2-73451256-C-T. GRCh37 (hg19) VCF-style: chr2-73678383-C-T.
Other names: c.4732C>T, p.Pro1578Ser (NM_015120.4); short protein forms P1577S, P1578S.
Identifiers: ClinVar variation 1742724 (VCV001742724.3), dbSNP rs2466102580, ClinGen allele CA347279142.

ClinVar aggregate classification (germline): Uncertain significance. Review status: criteria provided, multiple submitters, no conflicts (2 of 4 stars). 2 submissions from 2 submitters: Uncertain significance (2). Last evaluated 2023-05-11.

Conditions:
Cardiovascular phenotype. Identifiers: MedGen CN230736.

Submissions (2):

GeneDx
Classification: Uncertain significance. Last evaluated: 2023-05-11. Review status: criteria provided, single submitter. Criteria: GeneDx Variant Classification Process June 2021. Collection method: clinical testing. Allele origin: germline. Affected: yes.
Comment: Not observed at significant frequency in large population cohorts (gnomAD); In silico analysis supports that this missense variant does not alter protein structure/function; Has not been previously published as pathogenic or benign to our knowledge

Ambry Genetics
Classification: Uncertain significance for Cardiovascular phenotype. Last evaluated: 2021-08-12. Review status: criteria provided, single submitter. Criteria: Ambry Variant Classification Scheme 2023. Collection method: clinical testing. Allele origin: germline.
Comment: The p.P1578S variant (also known as c.4732C>T), located in coding exon 8 of the ALMS1 gene, results from a C to T substitution at nucleotide position 4732. The proline at codon 1578 is replaced by serine, an amino acid with similar properties. This amino acid position is not well conserved in available vertebrate species. In addition, this alteration is predicted to be tolerated by in silico analysis. Since supporting evidence is limited at this time, the clinical significance of this alteration remains unclear.